The following is an entry in ClinVar:

NM_000535.7(PMS2):c.232_235del (p.Glu78fs)

Gene: PMS2 (PMS1 homolog 2, mismatch repair system component; minus strand). Cytogenetic location: 7p22.1.
Variant type: Deletion.
Coding change: c.232_235del on transcript NM_000535.7 (MANE Select); coding-DNA positions 232 to 235, 4 bases deleted (GAAA; older notation c.232_235delGAAA).
Protein change: p.Glu78fs; shifts the reading frame from glutamic acid 78.
Molecular consequence: frameshift variant. On other transcripts: 5 prime UTR variant (9), non-coding transcript variant (1).
Genome position (GRCh38, 1-based): chr7:6,003,987-6,003,990, TTTC deleted on the plus strand (GAAA on the coding strand, the reverse complement: PMS2 is on the minus strand); deleting any 4 consecutive bases within chr7:6,003,987-6,003,992 gives the same sequence; the c. name uses the placement nearest the transcript's 3' end. VCF-style (leftmost placement, unchanged base first): chr7-6003986-TTTTC-T. GRCh37 (hg19) VCF-style: chr7-6043617-TTTTC-T.
Other names: c.-174_-171del (NM_001322010.2, NM_001322013.2, NM_001322003.2 and 3 more transcripts); c.-653_-650del (NM_001322011.2, NM_001322012.2); c.232_235del, p.Glu78fs (NM_001322014.2, NM_001322006.2); c.-253_-250del (NM_001322015.2); c.17_20del, p.Arg6fs (NM_001322007.2, NM_001322008.2); short protein forms E78fs, R6fs.
Identifiers: ClinVar variation 821094 (VCV000821094.12), dbSNP rs1583410315, ClinGen allele CA915944839.

ClinVar aggregate classification (germline): Pathogenic/Likely pathogenic. Review status: criteria provided, multiple submitters, no conflicts (2 of 4 stars). 4 submissions from 4 submitters: Pathogenic (3); Likely pathogenic (1). Last evaluated 2025-11-11.

Conditions:
Hereditary cancer-predisposing syndrome. Also called: Hereditary Cancer Syndrome; Tumor predisposition; Neoplastic Syndromes, Hereditary; Hereditary neoplastic syndrome. Identifiers: Orphanet 140162, MedGen C0027672, MeSH D009386, MONDO:0015356.
Lynch syndrome 4 (LYNCH4). Also called: Hereditary non-polyposis colorectal cancer, type 4; Colorectal cancer, hereditary nonpolyposis, type 4. Identifiers: Orphanet 144, MedGen C1838333, MONDO:0013699, OMIM 614337. Disease mechanism: loss of function.
Mismatch repair cancer syndrome 4. Identifiers: MedGen C5436817, MONDO:0030843, OMIM 619101.
Hereditary nonpolyposis colorectal neoplasms. Identifiers: MedGen C0009405, MeSH D003123.

Submissions (4):

Myriad Genetics, Inc.
Classification: Pathogenic for Lynch syndrome 4. Last evaluated: 2025-11-11. Review status: criteria provided, single submitter. Criteria: Myriad Autosomal Dominant, Autosomal Recessive and X-Linked Classification Criteria (2023). Collection method: clinical testing. Allele origin: unknown.
Comment: This variant is considered pathogenic. This variant creates a frameshift predicted to result in premature protein truncation.

Labcorp Genetics (formerly Invitae), Labcorp
Classification: Pathogenic for Hereditary nonpolyposis colorectal neoplasms. Last evaluated: 2022-09-07. Review status: criteria provided, single submitter. Criteria: Invitae Variant Classification Sherloc (09022015). Collection method: clinical testing. Allele origin: germline.
Comment: This variant has not been reported in the literature in individuals affected with PMS2-related conditions. This variant is not present in population databases (gnomAD no frequency). This sequence change creates a premature translational stop signal (p.Glu78Thrfs*5) in the PMS2 gene. It is expected to result in an absent or disrupted protein product. Loss-of-function variants in PMS2 are known to be pathogenic (PMID: 21376568, 24362816). ClinVar contains an entry for this variant (Variation ID: 821094). For these reasons, this variant has been classified as Pathogenic.

Ambry Genetics
Classification: Pathogenic for Hereditary cancer-predisposing syndrome. Last evaluated: 2022-08-29. Review status: criteria provided, single submitter. Criteria: Ambry Variant Classification Scheme 2023. Collection method: clinical testing. Allele origin: germline.
Comment: The c.232_235delGAAA pathogenic mutation, located in coding exon 3 of the PMS2 gene, results from a deletion of 4 nucleotides at nucleotide positions 232 to 235, causing a translational frameshift with a predicted alternate stop codon (p.E78Tfs*5). This variant has been identified in a proband(s) who met Amsterdam I/II criteria for Lynch syndrome and tumor demonstrated loss of PMS2 expression by immunohistochemistry (Ambry internal data). This alteration is expected to result in loss of function by premature protein truncation or nonsense-mediated mRNA decay. As such, this alteration is interpreted as a disease-causing mutation.

Juno Genomics, Hangzhou Juno Genomics, Inc
Classification: Likely pathogenic for Mismatch repair cancer syndrome 4. Review status: criteria provided, single submitter. Criteria: ACMG Guidelines, 2015. Collection method: clinical testing. Allele origin: germline.
Comment: Null variant in a gene where loss of function (LOF) is a known mechanism of disease.;Absent from controls (or at extremely low frequency if recessive) in Genome Aggregation Database.

Literature cited by the submitters: PubMed 21376568 (cited by Labcorp Genetics (formerly Invitae), Labcorp); PubMed 24362816 (cited by Labcorp Genetics (formerly Invitae), Labcorp).